The following is an entry in ClinVar:

ClinVar aggregate classification (germline): Pathogenic (1 of 4 stars; one submission).

Conditions:
Asphyxiating thoracic dystrophy 3. Also called: SHORT-RIB THORACIC DYSPLASIA 3 WITH OR WITHOUT POLYDACTYLY; POLYDACTYLY WITH NEONATAL CHONDRODYSTROPHY, TYPE I; SHORT-RIB THORACIC DYSPLASIA 3/6 WITH POLYDACTYLY, DIGENIC; Short rib polydactyly syndrome 2B; Saldino-Noonan Syndrome. Identifiers: Orphanet 474, Orphanet 93269, Orphanet 93270, Orphanet 93271, MedGen C0036069, MONDO:0013127, OMIM 613091.

Submission:

Myriad Genetics, Inc.
Classification: Pathogenic for Asphyxiating thoracic dystrophy 3. Last evaluated: 2026-04-18. Review status: criteria provided, single submitter. Criteria: Myriad Autosomal Dominant, Autosomal Recessive and X-Linked Classification Criteria (2023). Collection method: clinical testing. Allele origin: unknown.
Comment: NM_001377.2(DYNC2H1):c.5902C>T(Q1968*) is expected to be pathogenic in the context of DYNC2H1-related disorders. This variant is predicted to lead to an abnormal or absent protein product due to the creation of a premature termination codon in DYNC2H1, a gene where loss-of-function variants are known to be pathogenic. Please note: this variant was assessed in the context of healthy population screening.

NM_001377.3(DYNC2H1):c.5902C>T (p.Gln1968Ter)

Gene: DYNC2H1 (dynein cytoplasmic 2 heavy chain 1; plus strand). Cytogenetic location: 11q22.3.
Variant type: single nucleotide variant.
Coding change: c.5902C>T on transcript NM_001377.3 (MANE Select); coding-DNA position 5902, C replaced by T.
Protein change: p.Gln1968Ter; replaces glutamine 1968 with a stop codon.
Molecular consequence: nonsense.
Genome position (GRCh38, 1-based): chr11:103,177,583, C>T. VCF-style: chr11-103177583-C-T. GRCh37 (hg19) VCF-style: chr11-103048312-C-T.
Other names: c.5902C>T, p.Gln1968Ter (NM_001080463.2); short protein forms Q1968*.
Identifiers: ClinVar variation 5015808 (VCV005015808.1).